The following is an entry in ClinVar:

NM_001283009.2(RTEL1):c.1482-7C>T

Genes: RTEL1 (regulator of telomere elongation helicase 1; plus strand), RTEL1-TNFRSF6B (RTEL1-TNFRSF6B readthrough (NMD candidate); plus strand). Cytogenetic location: 20q13.33.
Variant type: single nucleotide variant.
Coding change: c.1482-7C>T on transcript NM_001283009.2 (MANE Select); 7 bases into the intron before coding-DNA position 1482, C replaced by T.
Molecular consequence: intron variant.
Genome position (GRCh38, 1-based): chr20:63,687,930, C>T. VCF-style: chr20-63687930-C-T. GRCh37 (hg19) VCF-style: chr20-62319283-C-T.
Other names: c.813-7C>T (NM_001283010.1); c.1554-7C>T (NM_032957.5); c.1482-7C>T (NM_016434.4).
Identifiers: ClinVar variation 712813 (VCV000712813.16), dbSNP rs189271525, ClinGen allele CA9964827.

ClinVar aggregate classification (germline): Likely benign. Review status: criteria provided, multiple submitters, no conflicts (2 of 4 stars). 5 submissions from 5 submitters: Likely benign (3). 2 of the submissions do not count toward it. Last evaluated 2026-01-26.

Conditions:
Dyskeratosis congenita. Identifiers: Orphanet 1775, MedGen C0265965, MONDO:0015780.
RTEL1-related disorder. Also called: RTEL1-related condition; RTEL1-related disorders.
Dyskeratosis congenita, autosomal recessive 5 (DKCB5). Identifiers: MedGen C3554656, MONDO:0014076, OMIM 615190.
Pulmonary fibrosis and/or bone marrow failure, Telomere-related, 3. Also called: PULMONARY FIBROSIS AND/OR BONE MARROW FAILURE SYNDROME, TELOMERE-RELATED, 3. Identifiers: Orphanet 2032, MedGen C4225346, MONDO:0014613, OMIM 616373.

Allele frequency attached by ClinVar (database versions not stated): gnomAD exomes 0.00008 and 0.00020; ExAC 0.00025; 1000 Genomes Project 30x 0.00031; ESP Exome Variant Server 0.00031; 1000 Genomes Project 0.00040; gnomAD 0.00042 and 0.00043; TOPMed 0.00050.
gnomAD v4.1: 182 of 1,612,058 alleles (0.011%); highest among the groups gnomAD compares: African/African-American, 0.13%; no homozygotes.

Submissions (5):

Labcorp Genetics (formerly Invitae), Labcorp
Classification: Likely benign for Dyskeratosis congenita, autosomal recessive 5; Pulmonary fibrosis and/or bone marrow failure, Telomere-related, 3. Last evaluated: 2026-01-26. Review status: criteria provided, single submitter. Criteria: Invitae Variant Classification Sherloc (09022015). Collection method: clinical testing. Allele origin: germline.

Blueprint Genetics
Classification: Likely benign. Last evaluated: 2024-06-06. Review status: criteria provided, single submitter. Criteria: ACMG Guidelines, 2015. Collection method: clinical testing. Allele origin: germline.

Sema4
Classification: Likely benign for Dyskeratosis congenita. Last evaluated: 2020-10-09. Review status: criteria provided, single submitter. Criteria: Sema4 Curation Guidelines. Collection method: curation. Allele origin: germline.

Natera, Inc.
Classification: Uncertain significance for Dyskeratosis congenita. Last evaluated: 2020-02-13. Review status: no assertion criteria provided. Collection method: clinical testing. Allele origin: germline. Not counted in ClinVar's aggregate classification.

PreventionGenetics, part of Exact Sciences
Classification: Likely benign for RTEL1-related condition. Last evaluated: 2019-12-17. Review status: no assertion criteria provided. Collection method: clinical testing. Allele origin: germline. Not counted in ClinVar's aggregate classification.
Comment: This variant is classified as likely benign based on ACMG/AMP sequence variant interpretation guidelines (Richards et al. 2015 PMID: 25741868, with internal and published modifications).